The following is an entry in ClinVar:

ClinVar aggregate classification (germline): Uncertain significance (0 of 4 stars; one submission).

Conditions:
PLXNA2-related disorder. Also called: PLXNA2-related condition.

Submission:

PreventionGenetics, part of Exact Sciences
Classification: Uncertain significance for PLXNA2-related condition. Last evaluated: 2024-08-31. Review status: no assertion criteria provided. Collection method: clinical testing. Allele origin: germline.
Comment: The PLXNA2 c.3416A>C variant is predicted to result in the amino acid substitution p.Tyr1139Ser. To our knowledge, this variant has not been reported in the literature or in a large population database, indicating this variant is rare. At this time, the clinical significance of this variant is uncertain due to the absence of conclusive functional and genetic evidence.

NM_025179.4(PLXNA2):c.3416A>C (p.Tyr1139Ser)

Gene: PLXNA2 (plexin A2; minus strand). Cytogenetic location: 1q32.2.
Variant type: single nucleotide variant.
Coding change: c.3416A>C on transcript NM_025179.4 (MANE Select); coding-DNA position 3416, A replaced by C.
Protein change: p.Tyr1139Ser; replaces tyrosine 1139 with serine.
Molecular consequence: missense variant.
Genome position (GRCh38, 1-based): chr1:208,045,957, T>G on the plus strand (A>C on the coding strand, the complement: PLXNA2 is on the minus strand). VCF-style: chr1-208045957-T-G. GRCh37 (hg19) VCF-style: chr1-208219302-T-G.
Other names: short protein forms Y1139S.
Identifiers: ClinVar variation 3346085 (VCV003346085.1).